The following is an entry in ClinVar:

ClinVar aggregate classification (germline): Pathogenic (1 of 4 stars; one submission).

Conditions:
Glycine encephalopathy. Also called: Non-ketotic hyperglycinemia; Nonketotic hyperglycinemia. Identifiers: Orphanet 407, MedGen C0751748, MONDO:0011612, HP:0008288.

Submission:

Labcorp Genetics (formerly Invitae), Labcorp
Classification: Pathogenic for Glycine encephalopathy. Last evaluated: 2022-03-23. Review status: criteria provided, single submitter. Criteria: Invitae Variant Classification Sherloc (09022015). Collection method: clinical testing. Allele origin: germline.
Comment: This variant is a gross deletion of the genomic region encompassing exon(s) 8-15 of the GLDC gene. This variant would be expected to be in-frame, preserving the integrity of the reading frame. A similar copy number variant has been observed in individual(s) with non-ketotic hyperglycinemia (PMID: 27362913). In at least one individual the data is consistent with being in trans (on the opposite chromosome) from a pathogenic variant. For these reasons, this variant has been classified as Pathogenic.

Literature cited by the submitters: PubMed 27362913.

NC_000009.11:g.(?_6587131)_(6602215_?)del

Gene: GLDC (glycine decarboxylase; minus strand). Cytogenetic location: 9p24.1.
Variant type: Deletion.
Identifiers: ClinVar variation 1452075 (VCV001452075.7).